The following is an entry in ClinVar:

NM_000143.4(FH):c.410C>T (p.Pro137Leu)

Gene: FH (fumarate hydratase; minus strand). Cytogenetic location: 1q43.
Variant type: single nucleotide variant.
Coding change: c.410C>T on transcript NM_000143.4 (MANE Select); coding-DNA position 410, C replaced by T.
Protein change: p.Pro137Leu; replaces proline 137 with leucine.
Molecular consequence: missense variant.
Genome position (GRCh38, 1-based): chr1:241,512,112, G>A on the plus strand (C>T on the coding strand, the complement: FH is on the minus strand). VCF-style: chr1-241512112-G-A. GRCh37 (hg19) VCF-style: chr1-241675412-G-A.
Other names: short protein forms P137L.
Identifiers: ClinVar variation 945116 (VCV000945116.15), dbSNP rs1660101853, ClinGen allele CA345440159.
Genomic context (GRCh38, chr1:241,512,112, plus strand): 5'-ATGACTTCATTTACATTCATATTTGTCTGAGTTCCTGATCCAGTCTGCCATACCACGAGA[G>A]GAAAATGATCATTTAATTTACCTTCAGCTACCTGCAGAAAAAATGTTAAAAATGTATTTT-3'
Protein context (NP_000134.2, residues 127-147): VAEGKLNDHF[Pro137Leu]LVVWQTGSGT

ClinVar aggregate classification (germline): Uncertain significance. Review status: criteria provided, multiple submitters, no conflicts (2 of 4 stars). 3 submissions from 3 submitters: Uncertain significance (2). 1 of the submissions does not count toward it. Last evaluated 2023-04-07.

Conditions:
Fumarase deficiency (FMRD). Also called: Fumaric aciduria; Fumarate Hydratase Deficiency. Identifiers: Orphanet 24, MedGen C0342770, MONDO:0011730, OMIM 606812.

Allele frequency attached by ClinVar (database versions not stated): gnomAD exomes below 0.00001.

Submissions (4):

Labcorp Genetics (formerly Invitae), Labcorp
Classification: Uncertain significance. Last evaluated: 2023-04-07. Review status: criteria provided, single submitter. Criteria: Invitae Variant Classification Sherloc (09022015). Collection method: clinical testing. Allele origin: germline.
Comment: ClinVar contains an entry for this variant (Variation ID: 945116). Advanced modeling of protein sequence and biophysical properties (such as structural, functional, and spatial information, amino acid conservation, physicochemical variation, residue mobility, and thermodynamic stability) performed at Invitae indicates that this missense variant is expected to disrupt FH protein function. In summary, the available evidence is currently insufficient to determine the role of this variant in disease. Therefore, it has been classified as a Variant of Uncertain Significance. This variant is not present in population databases (gnomAD no frequency). This sequence change replaces proline, which is neutral and non-polar, with leucine, which is neutral and non-polar, at codon 137 of the FH protein (p.Pro137Leu). This variant has not been reported in the literature in individuals affected with FH-related conditions.

GeneDx
Classification: Uncertain significance. Last evaluated: 2019-10-11. Review status: criteria provided, single submitter. Criteria: GeneDx Variant Classification Process June 2021. Collection method: clinical testing. Allele origin: germline. Affected: yes.
Comment: Not observed in large population cohorts (Lek et al., 2016); In silico analysis, which includes protein predictors and evolutionary conservation, supports a deleterious effect; Has not been previously published as pathogenic or benign to our knowledge

Natera, Inc.
Classification: Uncertain significance for Fumarase Deficiency. Last evaluated: 2020-06-22. Review status: no assertion criteria provided. Collection method: clinical testing. Allele origin: germline. Not counted in ClinVar's aggregate classification.

Blake Wilde Laboratory, Roswell Park Comprehensive Cancer Center
No classification provided (evidence only). Condition: Hereditary leiomyomatosis and renal cell cancer. Review status: no classification provided. Collection method: in vitro. Allele origin: not applicable. Functional consequence: decreased enzyme activity. Not counted in ClinVar's aggregate classification.